The following is an entry in ClinVar:

NC_000001.10:g.(?_16042722)_(16060439_?)dup

Gene: PLEKHM2 (pleckstrin homology and RUN domain containing M2; plus strand). Cytogenetic location: 1p36.21.
Variant type: Duplication.
Identifiers: ClinVar variation 650193 (VCV000650193.1).

ClinVar aggregate classification (germline): Uncertain significance (1 of 4 stars; one submission).

Conditions:
Dilated Cardiomyopathy, Recessive.

Submission:

Labcorp Genetics (formerly Invitae), Labcorp
Classification: Uncertain significance for Dilated Cardiomyopathy, Recessive. Last evaluated: 2018-09-14. Review status: criteria provided, single submitter. Criteria: Invitae Variant Classification Sherloc (09022015). Collection method: clinical testing. Allele origin: germline.
Comment: This variant results in a copy number gain of the genomic region encompassing exons 2-20 of the PLEKHM2 gene. The 5' boundary is likely confined to intron 1. The 3' end of this event is unknown as it extends beyond the assayed region for this gene and therefore may encompass additional genes. As the precise location of this event is unknown, it may be in tandem or it may be located elsewhere in the genome. This variant has not been reported in the literature in individuals with PLEKHM2-related disease. Experimental studies and prediction algorithms are not available for this variant, and the functional significance of the affected amino acids is currently unknown. In summary, the available evidence is currently insufficient to determine the role of this variant in disease. Therefore, it has been classified as a Variant of Uncertain Significance.